The following is an entry in ClinVar:

ClinVar aggregate classification (germline): Uncertain significance (1 of 4 stars; one submission).

Conditions:
Nephronophthisis. Also called: Juvenile Nephronophthisis. Identifiers: Orphanet 655, MedGen C0687120, MONDO:0019005, HP:0000090.

Submission:

Labcorp Genetics (formerly Invitae), Labcorp
Classification: Uncertain significance for Nephronophthisis. Last evaluated: 2022-08-09. Review status: criteria provided, single submitter. Criteria: Invitae Variant Classification Sherloc (09022015). Collection method: clinical testing. Allele origin: germline.
Comment: This sequence change replaces glutamic acid, which is acidic and polar, with aspartic acid, which is acidic and polar, at codon 468 of the NPHP3 protein (p.Glu468Asp). In summary, the available evidence is currently insufficient to determine the role of this variant in disease. Therefore, it has been classified as a Variant of Uncertain Significance. Algorithms developed to predict the effect of missense changes on protein structure and function output the following: SIFT: "Tolerated"; PolyPhen-2: "Benign"; Align-GVGD: "Class C0". The aspartic acid amino acid residue is found in multiple mammalian species, which suggests that this missense change does not adversely affect protein function. This variant has not been reported in the literature in individuals affected with NPHP3-related conditions. This variant is not present in population databases (gnomAD no frequency).

NM_153240.5(NPHP3):c.1404G>T (p.Glu468Asp)

Genes: NPHP3 (nephrocystin 3; minus strand), NPHP3-ACAD11 (NPHP3-ACAD11 readthrough (NMD candidate); minus strand). Cytogenetic location: 3q22.1.
Variant type: single nucleotide variant.
Coding change: c.1404G>T on transcript NM_153240.5 (MANE Select); coding-DNA position 1404, G replaced by T.
Protein change: p.Glu468Asp; replaces glutamic acid 468 with aspartic acid.
Molecular consequence: missense variant. On other transcripts: non-coding transcript variant (1).
Genome position (GRCh38, 1-based): chr3:132,704,318, C>A on the plus strand (G>T on the coding strand, the complement: NPHP3 is on the minus strand). VCF-style: chr3-132704318-C-A. GRCh37 (hg19) VCF-style: chr3-132423162-C-A.
Other names: short protein forms E468D.
Identifiers: ClinVar variation 2066340 (VCV002066340.4), dbSNP rs770200607, ClinGen allele CA354584662.